The following is an entry in ClinVar:

ClinVar aggregate classification (germline): Pathogenic. Review status: criteria provided, multiple submitters, no conflicts (2 of 4 stars). 10 submissions from 10 submitters: Pathogenic (10). Last evaluated 2026-07-30.

Conditions:
Neurofibromatosis, type 1 (NF1). Also called: VON RECKLINGHAUSEN DISEASE; NEUROFIBROMATOSIS, TYPE I, SOMATIC; Neurofibromatosis, type I; Peripheral type neurofibromatosis. Identifiers: Orphanet 636, MedGen C0027831, MONDO:0018975, OMIM 162200. Disease mechanism: loss of function.
NF1-related disorder. Also called: NF1-related condition. Identifiers: MedGen CN379171.
Hereditary cancer-predisposing syndrome. Also called: Hereditary Cancer Syndrome; Hereditary neoplastic syndrome; Neoplastic Syndromes, Hereditary; Tumor predisposition. Identifiers: Orphanet 140162, MedGen C0027672, MeSH D009386, MONDO:0015356.
Cardiovascular phenotype. Identifiers: MedGen CN230736.

Submissions (10):

Myriad Genetics, Inc.
Classification: Pathogenic for Neurofibromatosis, type 1. Last evaluated: 2026-07-30. Review status: criteria provided, single submitter. Criteria: Myriad Autosomal Dominant, Autosomal Recessive and X-Linked Classification Criteria (2023). Collection method: clinical testing. Allele origin: unknown.
Comment: This variant is considered pathogenic. This variant occurs within a consensus splice junction and is predicted to result in abnormal mRNA splicing of either an out-of-frame exon or an in-frame exon necessary for protein stability and/or normal function. This variant has been reported in multiple individuals with clinical features of gene-specific disease [PMID: 31766501, 36980803, 16835897, 18546366]. mRNA analysis has demonstrated abnormal mRNA splicing occurs [PMID: 31766501, 18546366].

Labcorp Genetics (formerly Invitae), Labcorp
Classification: Pathogenic for Neurofibromatosis, type 1. Last evaluated: 2025-11-15. Review status: criteria provided, single submitter. Criteria: Invitae Variant Classification Sherloc (09022015). Collection method: clinical testing. Allele origin: germline.
Comment: This sequence change affects a donor splice site in intron 20 of the NF1 gene. It is expected to disrupt RNA splicing. Variants that disrupt the donor or acceptor splice site typically lead to a loss of protein function (PMID: 16199547), and loss-of-function variants in NF1 are known to be pathogenic (PMID: 10712197, 23913538). This variant is not present in population databases (gnomAD no frequency). Disruption of this splice site has been observed in individuals with clinical features of neurofibromatosis type 1 (PMID: 16835897, 18546366; internal data). Invitae Evidence Modeling of clinical and family history, age, sex, and reported ancestry of multiple individuals with this NF1 variant has been performed. This variant is expected to be pathogenic with a positive predictive value of at least 99%. This is a validated machine learning model that incorporates the clinical features of 1,785,918 individuals referred to our laboratory for NF1 testing. ClinVar contains an entry for this variant (Variation ID: 449423). Algorithms developed to predict the effect of sequence changes on RNA splicing suggest that this variant may disrupt the consensus splice site. For these reasons, this variant has been classified as Pathogenic.

Ambry Genetics
Classification: Pathogenic for Cardiovascular phenotype; Hereditary cancer-predisposing syndrome. Last evaluated: 2025-10-08. Review status: criteria provided, single submitter. Criteria: Ambry Variant Classification Scheme 2023. Collection method: clinical testing. Allele origin: germline.
Comment: The c.2409+1G>T intronic pathogenic mutation results from a G to T substitution one nucleotide after coding exon 20 of the NF1 gene. Alterations that disrupt the canonical splice site are expected to result in aberrant splicing. In silico splice site analysis predicts that this alteration will weaken the native splice donor site and may result in the creation or strengthening of a novel splice donor site. This variant has been detected in multiple individuals with a clinical diagnosis or suspicion of neurofibromatosis type 1 (NF1) (Lee MJ et al. Hum Mutat, 2006 Aug;27:832; Pros E et al. Hum Mutat, 2008 Sep;29:E173-93; Ambry internal data). Other alterations impacting the same donor site (c.2409+1G>A, c.2409+1G>C, and c.2409+2T>G) have also been identified in individuals with a clinical diagnosis or suspicion of NF1 (Lee MJ et al. Hum Mutat, 2006 Aug;27:832; Maynard J et al. Hum Genet, 1997 May;99:674-6; Bausch B et al. J Clin Endocrinol Metab, 2007 Jul;92:2784-92). In addition, RNA studies have demonstrated that c.2409+1G>T results in skipping of exon 20 (Pros E et al. Hum Mutat, 2008 Sep;29:E173-93; Ambry internal data). This variant is considered to be rare based on population cohorts in the Genome Aggregation Database (gnomAD). Based on the supporting evidence, this alteration is interpreted as a disease-causing mutation.

NHS Central & South Genomic Laboratory Hub
Classification: Pathogenic for Neurofibromatosis type 1. Last evaluated: 2025-06-05. Review status: criteria provided, single submitter. Criteria: ACMG Guidelines, 2015. Collection method: clinical testing. Allele origin: germline. Affected: yes.

GeneDx
Classification: Pathogenic. Last evaluated: 2025-05-27. Review status: criteria provided, single submitter. Criteria: GeneDx Variant Classification Process June 2021. Collection method: clinical testing. Allele origin: germline. Affected: yes.
Comment: Identified in patients with features of neurofibromatosis type 1 referred for genetic testing at GeneDx and in published literature (PMID: 16835897, 18546366); Canonical splice site variant predicted to result in an in-frame loss of the adjacent exon in a gene for which loss of function is a known mechanism of disease; Deletions involving coding exons of this gene are a known mechanism of disease (HGMD); Not observed at significant frequency in large population cohorts (gnomAD); This variant is associated with the following publications: (PMID: 25525159, 18546366, 16835897)

3billion
Classification: Pathogenic for Neurofibromatosis, type 1. Last evaluated: 2024-12-24. Review status: criteria provided, single submitter. Criteria: ACMG Guidelines, 2015. Collection method: clinical testing. Allele origin: germline. Affected: yes.
Comment: The variant is not observed in the gnomAD v4.1.0 dataset. Predicted Consequence/Location: Canonical splice site: predicted to alter splicing and result in a loss or disruption of normal protein function. Multiple pathogenic loss-of-function variants are reported downstream of the variant. In silico tools predict the variant to alter splicing and produce an abnormal transcript [SpliceAI: 1.00 (spliceogenicity >=0.2, non-spliceogenicity <0.1)]. The variant has been reported at least twice as pathogenic with clinical assertions and evidence for the classification (ClinVar ID: VCV000449423 /PMID: 16835897). Therefore, this variant is classified as Pathogenic according to the recommendation of ACMG/AMP guideline.

Blueprint Genetics
Classification: Pathogenic for NF1-related disorders. Last evaluated: 2023-01-02. Review status: criteria provided, single submitter. Criteria: ACMG Guidelines, 2015. Collection method: clinical testing. Allele origin: germline. Affected: yes. Observed: 1 variant allele.

Centre of Medical Genetics, University Hospital Muenster
Classification: Pathogenic. Last evaluated: 2022-08-01. Review status: criteria provided, single submitter. Criteria: ACMG Guidelines, 2015. Collection method: clinical testing. Allele origin: unknown. Affected: yes. Observed: 1 variant allele, 1 heterozygote.
Comment: ACMG categories: PVS1,PS1,PP5

Genome-Nilou Lab
Classification: Pathogenic for Neurofibromatosis, type 1. Last evaluated: 2022-03-15. Review status: criteria provided, single submitter. Criteria: ACMG Guidelines, 2015. Collection method: clinical testing. Allele origin: germline. Affected: no.

Quest Diagnostics Nichols Institute San Juan Capistrano
Classification: Pathogenic. Last evaluated: 2017-03-30. Review status: criteria provided, single submitter. Criteria: Quest Diagnostics criteria. Collection method: clinical testing. Allele origin: unknown.
Comment: The NF1 c.2409+1G>T variant disrupts a canonical splice-donor site and interferes with normal NF1 mRNA splicing. The variant has not been reported in large, multi-ethnic general populations. In the published literature, the variant has been reported to cause exon skipping, and identified in individuals affected with NF1 (PMIDs: 16835897 (2006), 18546366 (2008)). Based on the available information, this variant is classified as pathogenic.

Literature cited by the submitters: PubMed 31766501 (cited by Myriad Genetics, Inc.); PubMed 36980803 (cited by Myriad Genetics, Inc.); PubMed 16835897 (cited by 5 submitters); PubMed 18546366 (cited by 4 submitters); PubMed 16199547 (cited by Labcorp Genetics (formerly Invitae), Labcorp); PubMed 10712197 (cited by Labcorp Genetics (formerly Invitae), Labcorp); PubMed 23913538 (cited by Labcorp Genetics (formerly Invitae), Labcorp); PubMed 17426081 (cited by Ambry Genetics); PubMed 9150739 (cited by Ambry Genetics); PubMed 25525159 (cited by Quest Diagnostics Nichols Institute San Juan Capistrano).

NM_001042492.3(NF1):c.2409+1G>T

Gene: NF1 (neurofibromin 1; plus strand). Cytogenetic location: 17q11.2.
Variant type: single nucleotide variant.
Coding change: c.2409+1G>T on transcript NM_001042492.3 (MANE Select); the canonical splice donor site of the intron after coding-DNA position 2409, G replaced by T.
Molecular consequence: splice donor variant.
Genome position (GRCh38, 1-based): chr17:31,227,607, G>T. VCF-style: chr17-31227607-G-T. GRCh37 (hg19) VCF-style: chr17-29554625-G-T.
Other names: c.2409+1G>T (NM_000267.4).
Identifiers: ClinVar variation 449423 (VCV000449423.23), dbSNP rs1555614022, ClinGen allele CA398983340.